The following is an entry in ClinVar:

NM_001378687.1(ATP2C1):c.571G>C (p.Glu191Gln)

Gene: ATP2C1 (ATPase secretory pathway Ca2+ transporting 1; plus strand). Cytogenetic location: 3q22.1.
Variant type: single nucleotide variant.
Coding change: c.571G>C on transcript NM_001378687.1 (MANE Select); coding-DNA position 571, G replaced by C.
Protein change: p.Glu191Gln; replaces glutamic acid 191 with glutamine.
Molecular consequence: missense variant.
Genome position (GRCh38, 1-based): chr3:130,953,860, G>C. VCF-style: chr3-130953860-G-C. GRCh37 (hg19) VCF-style: chr3-130672704-G-C.
Other names: c.571G>C, p.Glu191Gln (NM_001199179.3, NM_001199185.2, NM_001378512.1 and 5 more transcripts); c.673G>C, p.Glu225Gln (NM_001199180.2, NM_001199181.3, NM_001378511.1); c.556G>C, p.Glu186Gln (NM_001199182.2); c.523G>C, p.Glu175Gln (NM_001199183.2, NM_001199184.3, NM_001378514.1); short protein forms E186Q, E225Q, E175Q, E191Q.
Identifiers: ClinVar variation 3667466 (VCV003667466.2).

ClinVar aggregate classification (germline): Uncertain significance (1 of 4 stars; one submission).

Submission:

Labcorp Genetics (formerly Invitae), Labcorp
Classification: Uncertain significance. Last evaluated: 2024-09-16. Review status: criteria provided, single submitter. Criteria: Invitae Variant Classification Sherloc (09022015). Collection method: clinical testing. Allele origin: germline.
Comment: This sequence change replaces glutamic acid, which is acidic and polar, with glutamine, which is neutral and polar, at codon 191 of the ATP2C1 protein (p.Glu191Gln). This variant is not present in population databases (gnomAD no frequency). This variant has not been reported in the literature in individuals affected with ATP2C1-related conditions. Invitae Evidence Modeling of protein sequence and biophysical properties (such as structural, functional, and spatial information, amino acid conservation, physicochemical variation, residue mobility, and thermodynamic stability) indicates that this missense variant is expected to disrupt ATP2C1 protein function with a positive predictive value of 80%. In summary, the available evidence is currently insufficient to determine the role of this variant in disease. Therefore, it has been classified as a Variant of Uncertain Significance.